The following is an entry in ClinVar:

NM_015047.3(EMC1):c.2902G>A (p.Val968Ile)

Genes: EMC1 (ER membrane protein complex subunit 1; minus strand), EMC1-AS1 (EMC1 antisense RNA 1; plus strand). Cytogenetic location: 1p36.13.
Variant type: single nucleotide variant.
Coding change: c.2902G>A on transcript NM_015047.3 (MANE Select); coding-DNA position 2902, G replaced by A.
Protein change: p.Val968Ile; replaces valine 968 with isoleucine.
Molecular consequence: missense variant.
Genome position (GRCh38, 1-based): chr1:19,219,383, C>T on the plus strand (G>A on the coding strand, the complement: EMC1 is on the minus strand). VCF-style: chr1-19219383-C-T. GRCh37 (hg19) VCF-style: chr1-19545877-C-T.
Other names: c.2899G>A, p.Val967Ile (NM_001271427.2, NM_001271428.2); c.2836G>A, p.Val946Ile (NM_001271429.2); c.2911G>A, p.Val971Ile (NM_001375820.1); c.2908G>A, p.Val970Ile (NM_001375821.1); short protein forms V967I, V946I, V971I, V970I, V968I.
Identifiers: ClinVar variation 860844 (VCV000860844.9), dbSNP rs775293691, ClinGen allele CA652117.
Genomic context (GRCh38, chr1:19,219,383, plus strand): 5'-GGAGCTTCACCTGTGCCAGTCTCTTAGTGATCATGGTGGCAAAAACCAGGCCAAAGAGGA[C>T]GCTGCTGATTAACACGTAGTCATAGTCATCCTTCAGAACGTCAAACTGCTTGGATGGGTA-3'
Protein context (NP_055862.1, residues 958-978): DDYDYVLISS[Val968Ile]LFGLVFATMI

ClinVar aggregate classification (germline): Uncertain significance (1 of 4 stars; one submission).

Allele frequency attached by ClinVar (database versions not stated): gnomAD exomes 0.00001 and below 0.00001; TOPMed 0.00001; ExAC 0.00001.
gnomAD v4.1: 16 of 1,614,032 alleles (0.00099%); highest among the groups gnomAD compares: Non-Finnish European, 0.0011%; no homozygotes.

Submission:

Labcorp Genetics (formerly Invitae), Labcorp
Classification: Uncertain significance. Last evaluated: 2025-06-09. Review status: criteria provided, single submitter. Criteria: Invitae Variant Classification Sherloc (09022015). Collection method: clinical testing. Allele origin: germline.
Comment: This sequence change replaces valine, which is neutral and non-polar, with isoleucine, which is neutral and non-polar, at codon 968 of the EMC1 protein (p.Val968Ile). This variant is present in population databases (rs775293691, gnomAD 0.003%). This variant has not been reported in the literature in individuals affected with EMC1-related conditions. ClinVar contains an entry for this variant (Variation ID: 860844). Invitae Evidence Modeling of protein sequence and biophysical properties (such as structural, functional, and spatial information, amino acid conservation, physicochemical variation, residue mobility, and thermodynamic stability) has been performed for this missense variant. However, the output from this modeling did not meet the statistical confidence thresholds required to predict the impact of this variant on EMC1 protein function. In summary, the available evidence is currently insufficient to determine the role of this variant in disease. Therefore, it has been classified as a Variant of Uncertain Significance.